The following is an entry in ClinVar:

ClinVar aggregate classification (germline): Likely benign. Review status: criteria provided, multiple submitters, no conflicts (2 of 4 stars). 4 submissions from 4 submitters: Likely benign (4). Last evaluated 2025-09-27.

Allele frequency attached by ClinVar (database versions not stated): gnomAD 0.00007; ExAC 0.00003; gnomAD exomes 0.00003 and 0.00005; TOPMed 0.00003.
gnomAD v4.1: 82 of 1,613,842 alleles (0.0051%); highest among the groups gnomAD compares: Non-Finnish European, 0.0056%; no homozygotes.

Submissions (4):

Labcorp Genetics (formerly Invitae), Labcorp
Classification: Likely benign. Last evaluated: 2025-09-27. Review status: criteria provided, single submitter. Criteria: Invitae Variant Classification Sherloc (09022015). Collection method: clinical testing. Allele origin: germline.

Blueprint Genetics
Classification: Likely benign. Last evaluated: 2024-07-01. Review status: criteria provided, single submitter. Criteria: ACMG Guidelines, 2015. Collection method: clinical testing. Allele origin: germline.

CeGaT Center for Human Genetics Tuebingen
Classification: Likely benign. Last evaluated: 2023-08-01. Review status: criteria provided, single submitter. Criteria: CeGaT Center For Human Genetics Tuebingen Variant Classification Criteria Version 2. Collection method: clinical testing. Allele origin: germline. Affected: yes. Observed: 1 variant allele.
Comment: ANK3: BP4, BP7

Genetic Services Laboratory, University of Chicago
Classification: Likely benign. Last evaluated: 2015-09-30. Review status: criteria provided, single submitter. Criteria: ACMG Guidelines, 2015. Collection method: clinical testing. Allele origin: germline. Affected: no.

NM_020987.5(ANK3):c.10020C>T (p.Asp3340=)

Gene: ANK3 (ankyrin 3; minus strand). Cytogenetic location: 10q21.2.
Variant type: single nucleotide variant.
Coding change: c.10020C>T on transcript NM_020987.5 (MANE Select); coding-DNA position 10020, C replaced by T.
Protein change: p.Asp3340=; no amino-acid change (aspartic acid 3340 retained).
Molecular consequence: synonymous variant. On other transcripts: intron variant (4).
Genome position (GRCh38, 1-based): chr10:60,070,861, G>A on the plus strand (C>T on the coding strand, the complement: ANK3 is on the minus strand). VCF-style: chr10-60070861-G-A. GRCh37 (hg19) VCF-style: chr10-61830619-G-A.
Other names: c.4388-2852C>T (NM_001204403.2); c.4409-2852C>T (NM_001204404.2); c.4406-2852C>T (NM_001320874.2); c.1808-2852C>T (NM_001149.4).
Identifiers: ClinVar variation 434155 (VCV000434155.32), dbSNP rs750349884, ClinGen allele CA5511295.